The following is an entry in ClinVar:

NM_032608.7(MYO18B):c.5617C>A (p.Arg1873=)

Gene: MYO18B (myosin XVIIIB; plus strand). Cytogenetic location: 22q12.1.
Variant type: single nucleotide variant.
Coding change: c.5617C>A on transcript NM_032608.7 (MANE Select); coding-DNA position 5617, C replaced by A.
Protein change: p.Arg1873=; no amino-acid change (arginine 1873 retained).
Molecular consequence: synonymous variant.
Genome position (GRCh38, 1-based): chr22:25,946,236, C>A. VCF-style: chr22-25946236-C-A. GRCh37 (hg19) VCF-style: chr22-26342202-C-A.
Other names: c.5620C>A, p.Arg1874= (NM_001318245.2).
Identifiers: ClinVar variation 4681713 (VCV004681713.5).

ClinVar aggregate classification (germline): Likely benign (1 of 4 stars; one submission).

gnomAD v4.1: 25 of 1,575,192 alleles (0.0016%); highest among the groups gnomAD compares: Non-Finnish European, 0.0018%; no homozygotes.

Submission:

CeGaT Center for Human Genetics Tuebingen
Classification: Likely benign. Last evaluated: 2025-12-01. Review status: criteria provided, single submitter. Criteria: CeGaT Center For Human Genetics Tuebingen Variant Classification Criteria Version 2. Collection method: clinical testing. Allele origin: germline. Affected: yes. Observed: 1 variant allele.
Comment: MYO18B: BP4, BP7